The following is an entry in ClinVar:

ClinVar aggregate classification (germline): Conflicting classifications of pathogenicity. Review status: criteria provided, conflicting classifications (1 of 4 stars). 8 submissions from 8 submitters: Uncertain significance (6); Likely benign (2). Last evaluated 2025-09-28.

Conditions:
VHL-related disorder. Also called: VHL-related condition.
Chuvash polycythemia. Also called: POLYCYTHEMIA, VHL-DEPENDENT. Identifiers: Orphanet 238557, MedGen C1837915, MONDO:0009892, OMIM 263400.
Von Hippel-Lindau syndrome (VHLS). Also called: Von Hippel-Lindau; von Hippel–Lindau syndrome; VHL syndrome. Identifiers: Orphanet 892, MedGen C0019562, MONDO:0008667, OMIM 193300. Disease mechanism: loss of function.
Hereditary cancer-predisposing syndrome. Also called: Neoplastic Syndromes, Hereditary; Tumor predisposition; Hereditary Cancer Syndrome; Hereditary neoplastic syndrome. Identifiers: Orphanet 140162, MedGen C0027672, MeSH D009386, MONDO:0015356.
Nonpapillary renal cell carcinoma. Identifiers: Orphanet 422526, MedGen CN074294, MONDO:0007763, OMIM 144700.
Pheochromocytoma. Also called: MAX-Related Hereditary Paraganglioma-Pheochromocytoma Syndrome. Identifiers: Orphanet 29072, MedGen C0031511, MONDO:0008233, OMIM 171300, HP:0002666.

Allele frequency attached by ClinVar (database versions not stated): ExAC 0.00001; TOPMed 0.00001; 1000 Genomes Project 30x 0.00016; 1000 Genomes Project 0.00020.
gnomAD v4.1: 17 of 1,614,098 alleles (0.0011%); highest among the groups gnomAD compares: African/African-American, 0.0093%; no homozygotes.

Submissions (8):

Labcorp Genetics (formerly Invitae), Labcorp
Classification: Uncertain significance for Von Hippel-Lindau syndrome; Chuvash polycythemia. Last evaluated: 2025-09-28. Review status: criteria provided, single submitter. Criteria: Invitae Variant Classification Sherloc (09022015). Collection method: clinical testing. Allele origin: germline.
Comment: This sequence change replaces arginine, which is basic and polar, with cysteine, which is neutral and slightly polar, at codon 205 of the VHL protein (p.Arg205Cys). This variant is present in population databases (rs199926195, gnomAD 0.01%). This variant has not been reported in the literature in individuals affected with VHL-related conditions. ClinVar contains an entry for this variant (Variation ID: 411974). Invitae Evidence Modeling of protein sequence and biophysical properties (such as structural, functional, and spatial information, amino acid conservation, physicochemical variation, residue mobility, and thermodynamic stability) indicates that this missense variant is expected to disrupt VHL protein function with a positive predictive value of 80%. In summary, the available evidence is currently insufficient to determine the role of this variant in disease. Therefore, it has been classified as a Variant of Uncertain Significance.

PreventionGenetics, part of Exact Sciences
Classification: Uncertain significance for VHL-related condition. Last evaluated: 2025-08-19. Review status: criteria provided, single submitter. Criteria: ACMG Guidelines, 2015. Collection method: clinical testing. Allele origin: germline.
Comment: The VHL c.613C>T variant is predicted to result in the amino acid substitution p.Arg205Cys. To our knowledge, this variant has not been reported in the literature. This variant is reported in 0.012% of alleles in individuals of African descent in gnomAD and has conflicting interpretations regarding its pathogenicity in ClinVar, ranging from likely benign to uncertain (Variation ID: 411974). Although we suspect that this variant may be benign, at this time, the clinical significance of this variant is uncertain due to the absence of conclusive functional and genetic evidence.

Myriad Genetics, Inc.
Classification: Likely benign for Von Hippel-Lindau syndrome. Last evaluated: 2024-08-26. Review status: criteria provided, single submitter. Criteria: Myriad Autosomal Dominant, Autosomal Recessive and X-Linked Classification Criteria (2023). Collection method: clinical testing. Allele origin: unknown.
Comment: This variant is considered likely benign. This variant has been observed at a population frequency that is significantly greater than expected given the associated disease prevalence and penetrance.

Fulgent Genetics
Classification: Uncertain significance for Nonpapillary renal cell carcinoma; Pheochromocytoma; Von Hippel-Lindau syndrome; Chuvash polycythemia. Last evaluated: 2024-05-20. Review status: criteria provided, single submitter. Criteria: ACMG Guidelines, 2015. Collection method: clinical testing. Allele origin: germline.

All of Us Research Program, National Institutes of Health
Classification: Uncertain significance for Von Hippel-Lindau syndrome. Last evaluated: 2024-05-14. Review status: criteria provided, single submitter. Criteria: ACMG Guidelines, 2015. Collection method: clinical testing. Allele origin: germline. Inheritance: Autosomal dominant inheritance. Observed: 1 variant allele, 1 heterozygote.
Comment: This missense variant replaces arginine with cysteine at codon 205 of the VHL protein. Computational prediction is inconclusive regarding the impact of this variant on protein structure and function (internally defined REVEL score threshold 0.5 < inconclusive < 0.7, PMID: 27666373). To our knowledge, functional studies have not been reported for this variant. This variant has not been reported in individuals affected with hereditary cancer in the literature. This variant has been identified in 8/251288 chromosomes in the general population by the Genome Aggregation Database (gnomAD). The available evidence is insufficient to determine the role of this variant in disease conclusively. Therefore, this variant is classified as a Variant of Uncertain Significance.

This study involves interpretation of variants in research participants for the purpose of population health screening. Participant phenotype was not available at the time of variant classification. Additional details can be found in publication PMID: 35346344, PMCID: PMC8962531

Baylor Genetics
Classification: Uncertain significance for Chuvash polycythemia. Last evaluated: 2024-02-23. Review status: criteria provided, single submitter. Criteria: ACMG Guidelines, 2015. Collection method: clinical testing. Allele origin: unknown.

GeneDx
Classification: Uncertain significance. Last evaluated: 2023-05-05. Review status: criteria provided, single submitter. Criteria: GeneDx Variant Classification Process June 2021. Collection method: clinical testing. Allele origin: germline. Affected: yes.
Comment: In silico analysis supports that this missense variant does not alter protein structure/function; Has not been previously published as pathogenic or benign to our knowledge; This variant is associated with the following publications: (PMID: 27294619, 24969085)

Ambry Genetics
Classification: Likely benign for Hereditary cancer-predisposing syndrome. Last evaluated: 2022-05-25. Review status: criteria provided, single submitter. Criteria: Ambry Variant Classification Scheme 2023. Collection method: clinical testing. Allele origin: germline.

NM_000551.4(VHL):c.613C>T (p.Arg205Cys)

Genes: VHL (von Hippel-Lindau tumor suppressor; plus strand), LOC107303340 (3p25 von Hippel-Lindau tumor suppressor, E3 ubiquitin protein ligase Alu-mediated recombination region; plus strand). Cytogenetic location: 3p25.3.
Variant type: single nucleotide variant.
Coding change: c.613C>T on transcript NM_000551.4 (MANE Select); coding-DNA position 613, C replaced by T.
Protein change: p.Arg205Cys; replaces arginine 205 with cysteine.
Molecular consequence: missense variant. On other transcripts: 3 prime UTR variant (1).
Genome position (GRCh38, 1-based): chr3:10,149,936, C>T. VCF-style: chr3-10149936-C-T. GRCh37 (hg19) VCF-style: chr3-10191620-C-T.
Other names: c.*167C>T (NM_001354723.2); c.490C>T, p.Arg164Cys (NM_198156.3); short protein forms R205C, R164C.
Identifiers: ClinVar variation 411974 (VCV000411974.19), dbSNP rs199926195, ClinGen allele CA041940.
Genomic context (GRCh38, chr3:10,149,936, plus strand): 5'-TACGAAGATCTGGAAGACCACCCAAATGTGCAGAAAGACCTGGAGCGGCTGACACAGGAG[C>T]GCATTGCACATCAACGGATGGGAGATTGAAGATTTCTGTTGAAACTTACACTGTTTCATC-3'
Protein context (NP_000542.1, residues 195-213): QKDLERLTQE[Arg205Cys]IAHQRMGD